The following is an entry in ClinVar:

ClinVar aggregate classification (germline): Uncertain significance (1 of 4 stars; one submission).

Conditions:
Malignant hyperthermia, susceptibility to, 1 (MHS1). Also called: RYR1-Related Malignant Hyperthermia Susceptibility; Anesthesia related hyperthermia; Malignant hyperpyrexia; Fulminating hyperpyrexia; Pharmacogenic myopathy; Malignant hyperthermia suceptibility 1. Identifiers: Orphanet 423, MedGen C2930980, MONDO:0007783, OMIM 145600.

Submission:

All of Us Research Program, National Institutes of Health
Classification: Uncertain significance for Malignant hyperthermia, susceptibility to, 1. Last evaluated: 2023-11-20. Review status: criteria provided, single submitter. Criteria: ACMG Guidelines, 2015. Collection method: clinical testing. Allele origin: germline. Inheritance: Autosomal dominant inheritance. Observed: 2 variant alleles, 2 heterozygotes.
Comment: This variant is located in the RYR1 protein. To our knowledge, functional studies have not been reported for this variant. This variant has not been reported in individuals affected with RYR1-related disorders in the literature. This variant has not been identified in the general population by the Genome Aggregation Database (gnomAD). The available evidence is insufficient to determine the role of this variant in disease conclusively. Therefore, this variant is classified as a Variant of Uncertain Significance.

This study involves interpretation of variants in research participants for the purpose of population health screening. Participant phenotype was not available at the time of variant classification. Additional details can be found in publication PMID: 35346344, PMCID: PMC8962531

NM_000540.3(RYR1):c.13416C>T (p.Pro4472=)

Gene: RYR1 (ryanodine receptor 1; plus strand). Cytogenetic location: 19q13.2.
Variant type: single nucleotide variant.
Coding change: c.13416C>T on transcript NM_000540.3 (MANE Select); coding-DNA position 13416, C replaced by T.
Protein change: p.Pro4472=; no amino-acid change (proline 4472 retained).
Molecular consequence: synonymous variant.
Genome position (GRCh38, 1-based): chr19:38,565,750, C>T. VCF-style: chr19-38565750-C-T. GRCh37 (hg19) VCF-style: chr19-39056390-C-T.
Other names: c.13401C>T, p.Pro4467= (NM_001042723.2).
Identifiers: ClinVar variation 3069481 (VCV003069481.1), dbSNP rs2514682538, ClinGen allele CA507244090.
Genomic context (GRCh38, chr19:38,565,750, plus strand): 5'-CGGTCTCGGGGACATGGGGGACACGACGCCTGCGGAACCGCCCACACCCGAGGGCTCTCC[C>T]ATCCTCAAGAGGAAATTGGGGGTGAGAGAGCAGGCGGGGTTTTGGGGTTTTGGAAAGATG-3'
Protein context (NP_000531.2, residues 4462-4482): PAEPPTPEGS[Pro4472=]ILKRKLGVDG